The following is an entry in ClinVar:

NM_006231.4(POLE):c.1567_1569del (p.Glu523del)

Gene: POLE (DNA polymerase epsilon, catalytic subunit; minus strand). Cytogenetic location: 12q24.33.
Variant type: Deletion.
Coding change: c.1567_1569del on transcript NM_006231.4 (MANE Select); coding-DNA positions 1567 to 1569, 3 bases deleted (GAG; older notation c.1567_1569delGAG).
Protein change: p.Glu523del; deletes glutamic acid 523.
Genome position (GRCh38, 1-based): chr12:132,672,744-132,672,746, CTC deleted on the plus strand (GAG on the coding strand, the reverse complement: POLE is on the minus strand); deleting any 3 consecutive bases within chr12:132,672,744-132,672,748 gives the same sequence; the c. name uses the placement nearest the transcript's 3' end. VCF-style (leftmost placement, unchanged base first): chr12-132672743-ACTC-A. GRCh37 (hg19) VCF-style: chr12-133249329-ACTC-A.
Other names: c.1567_1569delGAG (NM_006231.2); short protein forms E523del.
Identifiers: ClinVar variation 3726538 (VCV003726538.3).

ClinVar aggregate classification (germline): Uncertain significance. Review status: criteria provided, multiple submitters, no conflicts (2 of 4 stars). 2 submissions from 2 submitters: Uncertain significance (2). Last evaluated 2026-08-18.

Conditions:
Hereditary cancer-predisposing syndrome. Also called: Tumor predisposition; Hereditary neoplastic syndrome; Hereditary Cancer Syndrome; Neoplastic Syndromes, Hereditary. Identifiers: Orphanet 140162, MedGen C0027672, MeSH D009386, MONDO:0015356.

Submissions (2):

Ambry Genetics
Classification: Uncertain significance for Hereditary cancer-predisposing syndrome. Last evaluated: 2026-08-18. Review status: criteria provided, single submitter. Criteria: Ambry Variant Classification Scheme 2023. Collection method: clinical testing. Allele origin: germline.
Comment: The c.1567_1569delGAG variant (also known as p.E523del) is located in coding exon 15 of the POLE gene. This variant results from an in-frame GAG deletion at nucleotide positions 1567 to 1569. This results in the in-frame deletion of a glutamic acid at codon 523. This amino acid position is not well conserved in available vertebrate species. Based on the available evidence, the clinical significance of this variant remains unclear.

Labcorp Genetics (formerly Invitae), Labcorp
Classification: Uncertain significance. Last evaluated: 2024-12-03. Review status: criteria provided, single submitter. Criteria: Invitae Variant Classification Sherloc (09022015). Collection method: clinical testing. Allele origin: germline.
Comment: This variant, c.1567_1569del, results in the deletion of 1 amino acid(s) of the POLE protein (p.Glu523del), but otherwise preserves the integrity of the reading frame. This variant is not present in population databases (gnomAD no frequency). This variant has not been reported in the literature in individuals affected with POLE-related conditions. Experimental studies and prediction algorithms are not available or were not evaluated, and the functional significance of this variant is currently unknown. In summary, the available evidence is currently insufficient to determine the role of this variant in disease. Therefore, it has been classified as a Variant of Uncertain Significance.